The following is an entry in ClinVar:

ClinVar aggregate classification (germline): Benign/Likely benign. Review status: criteria provided, multiple submitters, no conflicts (2 of 4 stars). 13 submissions from 13 submitters: Benign (2); Likely benign (6). 5 of the submissions do not count toward it. Last evaluated 2026-03-17.

Conditions:
BRCA2-related disorder. Also called: BRCA2-related condition; BRCA2-related disorders. Identifiers: MedGen CN239275.
Hereditary cancer-predisposing syndrome. Also called: Hereditary neoplastic syndrome; Neoplastic Syndromes, Hereditary; Hereditary Cancer Syndrome; Tumor predisposition. Identifiers: Orphanet 140162, MedGen C0027672, MeSH D009386, MONDO:0015356.
Hereditary breast ovarian cancer syndrome. Also called: Hereditary breast and ovarian cancer syndrome (HBOC); Breast and ovarian cancer; Hereditary breast and ovarian cancer syndrome; BRCA1- and BRCA2-Associated Hereditary Breast and Ovarian Cancer; Hereditary breast and/or ovarian cancer syndrome; Hereditary breast and ovarian cancer. Identifiers: Orphanet 145, MedGen C0677776, MeSH D061325, MONDO:0003582. Disease mechanism: loss of function.
Breast-ovarian cancer, familial, susceptibility to, 2 (BROVCA2). Also called: BRCA2 Hereditary Breast and Ovarian Cancer. Identifiers: Orphanet 145, MedGen C2675520, MONDO:0012933, OMIM 612555. Disease mechanism: loss of function.
Malignant tumor of breast. Also called: Malignant breast neoplasm; Cancer breast. Identifiers: MedGen C0006142, MONDO:0007254. Disease mechanism: loss of function.

Allele frequency attached by ClinVar (database versions not stated): gnomAD 0.00019; 1000 Genomes Project 0.00020; gnomAD exomes 0.00001; TOPMed 0.00008; ESP Exome Variant Server 0.00015; 1000 Genomes Project 30x 0.00016.
gnomAD v4.1: 41 of 1,604,998 alleles (0.0026%); highest among the groups gnomAD compares: African/African-American, 0.041%; no homozygotes.

Submissions (13):

Women's Health and Genetics/Laboratory Corporation of America, LabCorp
Classification: Likely benign. Last evaluated: 2026-03-17. Review status: criteria provided, single submitter. Criteria: LabCorp Variant Classification Summary - May 2015. Collection method: clinical testing. Allele origin: germline.
Comment: Variant summary: BRCA2 c.8487+8G>A alters a nucleotide located at a position not widely known to affect splicing. Consensus agreement among computation tools predict no significant impact on normal splicing. However, these predictions have yet to be confirmed by functional studies. The variant allele was found at a frequency of 3.2e-05 in 251060 control chromosomes, predominantly at a frequency of 0.00037 within the African or African-American subpopulation in the gnomAD database. The available data on variant occurrences in the general population are insufficient to allow any conclusion about variant significance. c.8487+8G>A has been observed in individuals affected with breast cancer and cancer or other tumor phenotypes (e.g. Haffty 2009, Whiley 2011, Matta_2022). These reports do not provide unequivocal conclusions about association of the variant with Hereditary Breast And Ovarian Cancer Syndrome. At least one co-occurrence with another pathogenic variant has been observed in our laboratory (BRCA1 c.4986+6T>C), providing supporting evidence for a benign role. At least one publication reports experimental evidence evaluating an impact on protein function and showed no damaging effect of this variant (Whiley_2011). ClinVar contains an entry for this variant (Variation ID: 38163). Based on the evidence outlined above, the variant was classified as likely benign.

Labcorp Genetics (formerly Invitae), Labcorp
Classification: Likely benign for Hereditary breast ovarian cancer syndrome. Last evaluated: 2026-01-25. Review status: criteria provided, single submitter. Criteria: Invitae Variant Classification Sherloc (09022015). Collection method: clinical testing. Allele origin: germline.

Quest Diagnostics Nichols Institute San Juan Capistrano
Classification: Benign. Last evaluated: 2022-07-29. Review status: criteria provided, single submitter. Criteria: Quest Diagnostics criteria. Collection method: clinical testing. Allele origin: unknown.

National Health Laboratory Service, Universitas Academic Hospital and University of the Free State
Classification: Likely benign for Hereditary breast ovarian cancer syndrome. Last evaluated: 2021-11-16. Review status: criteria provided, single submitter. Criteria: ACMG Guidelines, 2015. Collection method: clinical testing. Allele origin: germline. Affected: yes. Observed: 1 variant allele.

Genetics Program, Instituto Nacional de Cancer
Classification: Likely benign for Hereditary breast ovarian cancer syndrome. Last evaluated: 2021-11-01. Review status: criteria provided, single submitter. Criteria: ACMG Guidelines, 2015. Collection method: research. Allele origin: germline. Affected: yes.

Mendelics
Classification: Likely benign for Breast-ovarian cancer, familial, susceptibility to, 2. Last evaluated: 2019-05-28. Review status: criteria provided, single submitter. Criteria: Mendelics Assertion Criteria 2017. Collection method: clinical testing. Allele origin: unknown.

Color Diagnostics, LLC DBA Color Health
Classification: Likely benign for Hereditary cancer-predisposing syndrome. Last evaluated: 2016-07-25. Review status: criteria provided, single submitter. Criteria: ACMG Guidelines, 2015. Collection method: clinical testing. Allele origin: germline.

GeneDx
Classification: Benign. Last evaluated: 2014-08-19. Review status: criteria provided, single submitter. Criteria: GeneDx Variant Classification (06012015). Collection method: clinical testing. Allele origin: germline. Affected: yes.
Comment: This variant is considered likely benign or benign based on one or more of the following criteria: it is a conservative change, it occurs at a poorly conserved position in the protein, it is predicted to be benign by multiple in silico algorithms, and/or has population frequency not consistent with disease.

PreventionGenetics, part of Exact Sciences
Classification: Likely benign for BRCA2-related condition. Last evaluated: 2023-08-25. Review status: no assertion criteria provided. Collection method: clinical testing. Allele origin: germline. Not counted in ClinVar's aggregate classification.
Comment: This variant is classified as likely benign based on ACMG/AMP sequence variant interpretation guidelines (Richards et al. 2015 PMID: 25741868, with internal and published modifications).

Counsyl
Classification: Likely benign for Breast-ovarian cancer, familial 2. Last evaluated: 2014-07-02. Review status: no assertion criteria provided. Collection method: literature only. Allele origin: unknown. Inheritance: Autosomal dominant inheritance. Not counted in ClinVar's aggregate classification.

Sharing Clinical Reports Project (SCRP)
Classification: Likely benign for Breast-ovarian cancer, familial 2. Last evaluated: 2011-07-15. Review status: no assertion criteria provided. Collection method: clinical testing. Allele origin: germline. Not counted in ClinVar's aggregate classification.

Breast Cancer Information Core (BIC) (BRCA2)
Classification: Uncertain significance for Breast-ovarian cancer, familial 2. Last evaluated: 2003-12-23. Review status: no assertion criteria provided. Collection method: clinical testing. Allele origin: germline. Affected: yes. Observed: 1 variant allele. Not counted in ClinVar's aggregate classification.

Department of Pathology and Laboratory Medicine, Sinai Health System
Classification: Uncertain significance for Malignant tumor of breast. Review status: no assertion criteria provided. Collection method: clinical testing. Allele origin: unknown. Affected: yes. Study: The Canadian Open Genetics Repository (COGR). Not counted in ClinVar's aggregate classification.
Comment: The c.8487+8G>A variant was not identified in the literature, but was identified in dbSNP (ID: rs81002838), the BIC database (1X with unknown clinical importance), the UMD (1X as an unclassified variant), and the ClinVar database (classified as likely benign by the Sharing Clinical Reports Project (derived from Myriad reports)).The variant was identified by the Exome Variant Server project in 2 of 4406 African American alleles (frequency: 0.0005) and in the 1000 Genomes Project in 1 allele (frequency 0.0005), although this low number of observations and low frequency is not substantive enough to determine the prevalence of the variant in the general population and its relationship to disease. The c.8487+8G>A variant occurs outside of the splicing consensus sequence and in silico or computational prediction software programs (SpliceSiteFinder, MaxEntScan, NNSPLICE, GeneSplicer, HumanSpliceFinder) do not predict a difference in splicing. However, this information is not predictive enough to rule out pathogenicity. In summary, based on the above information, the clinical significance of this variant cannot be determined with certainty at this time. This variant is classified as a variant of unknown significance.

Literature cited by the submitters: PubMed 21394826 (cited by Women's Health and Genetics/Laboratory Corporation of America, LabCorp and Quest Diagnostics Nichols Institute San Juan Capistrano); PubMed 19491284 (cited by 3 submitters); PubMed 25085752 (cited by Women's Health and Genetics/Laboratory Corporation of America, LabCorp and Quest Diagnostics Nichols Institute San Juan Capistrano); PubMed 36329109 (cited by Women's Health and Genetics/Laboratory Corporation of America, LabCorp and Genetics Program, Instituto Nacional de Cancer); DOI 10.3389/fgene.2022.834265 (cited by National Health Laboratory Service, Universitas Academic Hospital and University of the Free State).

NM_000059.4(BRCA2):c.8487+8G>A

Gene: BRCA2 (BRCA2 DNA repair associated; plus strand). Cytogenetic location: 13q13.1.
Variant type: single nucleotide variant.
Coding change: c.8487+8G>A on transcript NM_000059.4 (MANE Select); 8 bases into the intron after coding-DNA position 8487, G replaced by A.
Molecular consequence: intron variant.
Genome position (GRCh38, 1-based): chr13:32,370,565, G>A. VCF-style: chr13-32370565-G-A. GRCh37 (hg19) VCF-style: chr13-32944702-G-A.
Other names: IVS19+8G>A.
Identifiers: ClinVar variation 38163 (VCV000038163.70), dbSNP rs81002838, ClinGen allele CA025675.